The following is an entry in ClinVar:

NM_020232.5(PSMG2):c.722C>T (p.Ser241Phe)

Gene: PSMG2 (proteasome assembly chaperone 2; plus strand). Cytogenetic location: 18p11.21.
Variant type: single nucleotide variant.
Coding change: c.722C>T on transcript NM_020232.5 (MANE Select); coding-DNA position 722, C replaced by T.
Protein change: p.Ser241Phe; replaces serine 241 with phenylalanine.
Molecular consequence: missense variant.
Genome position (GRCh38, 1-based): chr18:12,725,458, C>T. VCF-style: chr18-12725458-C-T. GRCh37 (hg19) VCF-style: chr18-12725457-C-T.
Other names: c.629C>T, p.Ser210Phe (NM_147163.2); short protein forms S210F, S241F.
Identifiers: ClinVar variation 1466176 (VCV001466176.6), dbSNP rs950677824, ClinGen allele CA296727431.

ClinVar aggregate classification (germline): Uncertain significance (1 of 4 stars; one submission).

Allele frequency attached by ClinVar (database versions not stated): TOPMed 0.00001.
gnomAD v4.1: 2 of 1,599,948 alleles (0.00013%); highest among the groups gnomAD compares: Admixed American, 0.0017%; no homozygotes.

Submission:

Labcorp Genetics (formerly Invitae), Labcorp
Classification: Uncertain significance. Last evaluated: 2025-08-10. Review status: criteria provided, single submitter. Criteria: Invitae Variant Classification Sherloc (09022015). Collection method: clinical testing. Allele origin: germline.
Comment: This sequence change replaces serine, which is neutral and polar, with phenylalanine, which is neutral and non-polar, at codon 241 of the PSMG2 protein (p.Ser241Phe). This variant is present in population databases (no rsID available, gnomAD 0.003%). This variant has not been reported in the literature in individuals affected with PSMG2-related conditions. ClinVar contains an entry for this variant (Variation ID: 1466176). An algorithm developed to predict the effect of missense changes on protein structure and function (PolyPhen-2) suggests that this variant is likely to be tolerated. In summary, the available evidence is currently insufficient to determine the role of this variant in disease. Therefore, it has been classified as a Variant of Uncertain Significance.